The following is an entry in ClinVar:

ClinVar aggregate classification (germline): Uncertain significance (1 of 4 stars; one submission).

Submission:

GeneDx
Classification: Uncertain significance. Last evaluated: 2025-04-07. Review status: criteria provided, single submitter. Criteria: GeneDx Variant Classification Process June 2021. Collection method: clinical testing. Allele origin: germline. Affected: yes.
Comment: Not observed at significant frequency in large population cohorts (gnomAD); In silico analysis indicates that this missense variant does not alter protein structure/function; Has not been previously published as pathogenic or benign to our knowledge

NM_016312.3(WBP11):c.700A>G (p.Met234Val)

Gene: WBP11 (WW domain binding protein 11; minus strand). Cytogenetic location: 12p12.3.
Variant type: single nucleotide variant.
Coding change: c.700A>G on transcript NM_016312.3 (MANE Select); coding-DNA position 700, A replaced by G.
Protein change: p.Met234Val; replaces methionine 234 with valine.
Molecular consequence: missense variant.
Genome position (GRCh38, 1-based): chr12:14,794,558, T>C on the plus strand (A>G on the coding strand, the complement: WBP11 is on the minus strand). VCF-style: chr12-14794558-T-C. GRCh37 (hg19) VCF-style: chr12-14947492-T-C.
Other names: short protein forms M234V.
Identifiers: ClinVar variation 4281741 (VCV004281741.1).